The following is an entry in ClinVar:

ClinVar aggregate classification (germline): Benign. Review status: criteria provided, single submitter (1 of 4 stars). 2 submissions from 2 submitters: Benign (1). 1 of the submissions does not count toward it. Last evaluated 2019-12-31.

Conditions:
MYO16-related disorder. Also called: MYO16-related condition.

Allele frequency attached by ClinVar (database versions not stated): gnomAD exomes 0.00124; ExAC 0.00137; 1000 Genomes Project 0.00419; gnomAD 0.00445 and 0.00483; 1000 Genomes Project 30x 0.00453; ESP Exome Variant Server 0.00531.
gnomAD v4.1: 1,331 of 1,613,402 alleles (0.082%); highest among the groups gnomAD compares: African/African-American, 1.6%; 10 homozygotes.

Submissions (2):

Labcorp Genetics (formerly Invitae), Labcorp
Classification: Benign. Last evaluated: 2019-12-31. Review status: criteria provided, single submitter. Criteria: Invitae Variant Classification Sherloc (09022015). Collection method: clinical testing. Allele origin: germline.

PreventionGenetics, part of Exact Sciences
Classification: Benign for MYO16-related condition. Last evaluated: 2019-06-13. Review status: no assertion criteria provided. Collection method: clinical testing. Allele origin: germline. Not counted in ClinVar's aggregate classification.
Comment: This variant is classified as benign based on ACMG/AMP sequence variant interpretation guidelines (Richards et al. 2015 PMID: 25741868, with internal and published modifications).

NM_001198950.3(MYO16):c.5434C>A (p.Leu1812Ile)

Gene: MYO16 (myosin XVI; plus strand). Cytogenetic location: 13q33.3.
Variant type: single nucleotide variant.
Coding change: c.5434C>A on transcript NM_001198950.3 (MANE Select); coding-DNA position 5434, C replaced by A.
Protein change: p.Leu1812Ile; replaces leucine 1812 with isoleucine.
Molecular consequence: missense variant.
Genome position (GRCh38, 1-based): chr13:109,206,627, C>A. VCF-style: chr13-109206627-C-A. GRCh37 (hg19) VCF-style: chr13-109858975-C-A.
Other names: c.5368C>A, p.Leu1790Ile (NM_015011.3); short protein forms L1790I, L1812I.
Identifiers: ClinVar variation 785450 (VCV000785450.6), dbSNP rs140721727, ClinGen allele CA7045965.